The following is an entry in ClinVar:

NM_004773.4(ZNHIT3):c.92C>T (p.Ser31Leu)

Gene: ZNHIT3 (zinc finger HIT-type containing 3; plus strand). Cytogenetic location: 17q12.
Variant type: single nucleotide variant.
Coding change: c.92C>T on transcript NM_004773.4 (MANE Select); coding-DNA position 92, C replaced by T.
Protein change: p.Ser31Leu; replaces serine 31 with leucine.
Molecular consequence: missense variant. On other transcripts: non-coding transcript variant (1).
Genome position (GRCh38, 1-based): chr17:36,486,940, C>T. VCF-style: chr17-36486940-C-T. GRCh37 (hg19) VCF-style: chr17-34842784-C-T.
Other names: ZNHIT3, SER31LEU (rs148890852); c.92C>T, p.Ser31Leu (NM_001281432.2, NM_001281433.2, NM_001281434.2); short protein forms S31L.
Identifiers: ClinVar variation 427725 (VCV000427725.7), dbSNP rs148890852, ClinGen allele CA289920218.

ClinVar aggregate classification (germline): Pathogenic/Likely pathogenic. Review status: criteria provided, multiple submitters, no conflicts (2 of 4 stars). 7 submissions from 7 submitters: Pathogenic (2); Likely pathogenic (4). 1 of the submissions does not count toward it. Last evaluated 2025-12-29.

Conditions:
ZNHIT3-related disorder. Also called: ZNHIT3-related condition.
PEHO syndrome (PEHO). Also called: PROGRESSIVE ENCEPHALOPATHY WITH EDEMA, HYPSARRHYTHMIA, AND OPTIC ATROPHY. Identifiers: Orphanet 2836, Orphanet 99807, MedGen C1850055, MONDO:0009841, OMIM 260565.

Allele frequency attached by ClinVar (database versions not stated): TOPMed 0.00001; ESP Exome Variant Server 0.00008; 1000 Genomes Project 30x 0.00016; 1000 Genomes Project 0.00020; ExAC 0.00034; gnomAD 0.00042 and 0.00044; gnomAD exomes 0.00042.
gnomAD v4.1: 317 of 1,611,384 alleles (0.02%); highest among the groups gnomAD compares: Non-Finnish European, 0.0019%; no homozygotes.

Submissions (7):

3billion
Classification: Pathogenic for PEHO syndrome. Last evaluated: 2025-12-29. Review status: criteria provided, single submitter. Criteria: ACMG Guidelines, 2015. Collection method: clinical testing. Allele origin: germline. Affected: yes.
Comment: The variant is observed at an extremely low frequency in the gnomAD v4.1.0 dataset (total allele frequency: 0.020%). Predicted Consequence/Location: Missense variant Functional studies provide moderate evidence of the variant having a damaging effect on the gene or gene product (PMID: 28335020). In silico tool predictions suggest damaging effect of the variant on gene or gene product [REVEL: 0.61 (>=0.6, sensitivity 0.68 and specificity 0.92); 3Cnet: 0.93 (> 0.75, sensitivity 0.96 and precision 0.92)]. The same nucleotide change resulting in the same amino acid change has been previously reported as pathogenic/likely pathogenic with strong evidence (ClinVar ID: VCV000427725 /PMID: 28335020). Therefore, this variant is classified as Pathogenic according to the recommendation of ACMG/AMP guideline.

Variantyx, Inc.
Classification: Likely pathogenic for PEHO syndrome. Last evaluated: 2025-10-01. Review status: criteria provided, single submitter. Criteria: Variantyx Assertion Criteria 2022. Collection method: clinical testing. Allele origin: germline. Inheritance: Autosomal recessive inheritance.
Comment: This is a nonsynonymous variant in the ZNHIT3 gene (OMIM: 604500). Pathogenic variants in this gene have been associated with autosomal recessive PEHO syndrome. This variant has been identified in the homozygous or compound heterozygous state in at least two individuals reported in the published literature (PMID: 28335020, 31048081) (PM3). Computational algorithms produce conflicting evidence regarding the predicted functional impact of this variant (REVEL score: 0.611), but functional studies have shown that this variant alters ZNHIT3 protein function (PMID: 28335020) (PS3). This variant has a 0.0019% maximum allele frequency in non-founder control populations (PM2). Based on the current evidence, this variant is classified as likely pathogenic for autosomal recessive PEHO syndrome.

First Genomix Gene Laboratory, Genetic Diagnostics Department
Classification: Likely pathogenic for PEHO syndrome. Last evaluated: 2025-05-23. Review status: criteria provided, single submitter. Criteria: ACMG Guidelines, 2015. Collection method: clinical testing. Allele origin: germline. Inheritance: Autosomal recessive inheritance. Affected: no. Observed: 1 variant allele.

Blueprint Genetics
Classification: Pathogenic for ZNHIT3-related disorders. Last evaluated: 2024-08-05. Review status: criteria provided, single submitter. Criteria: ACMG Guidelines, 2015. Collection method: clinical testing. Allele origin: germline. Affected: yes. Observed: 5 variant alleles.

Broad Center for Mendelian Genomics, Broad Institute of MIT and Harvard
Classification: Likely pathogenic for PEHO syndrome. Last evaluated: 2020-05-29. Review status: criteria provided, single submitter. Criteria: ACMG Guidelines, 2015. Collection method: research. Allele origin: germline. Inheritance: Autosomal recessive inheritance.
Comment: This variant has also been reported in 22 additional individuals with PEHO syndrome, segregated with disease in 4 affected relatives from 2 families (PMID: 28335020), which increases the likelihood that the p.Ser31Leu variant is pathogenic. The variant has also been reported as pathogenic by OMIM in ClinVar (Variation ID: 427725). The p.Ser31Leu variant has been identified in 0.476% (119/25006) of European (Finnish) chromosomes by the Genome Aggregation Database (gnomAD; dbSNP rs148890852). Although this variant has been seen in the general population, its frequency is not high enough to rule out a pathogenic role. Computational prediction tools and conservation analyses do not provide strong support for or against an impact to the protein. The p.Ser31Leu is located in a region of ZNHIT3 that is essential to protein folding and stability, suggesting that this variant is in a functional domain and slightly supports pathogenicity (PMID: 28335020). Additionally, animal models in zebrafish and in vitro functional studies have shown that this variant causes PEHO syndrome (PMID: 28335020). However, these types of experiments may not accurately represent biological function. In summary, although additional studies are required to fully establish its clinical significance, this variant is likely pathogenic. ACMG/AMP Criteria applied: PS3, PM3, PM1_Supporting, PP1 (Richards 2015).

New York Genome Center
Classification: Likely pathogenic for PEHO syndrome. Last evaluated: 2020-04-25. Review status: criteria provided, single submitter. Criteria: NYGC Assertion Criteria 2020. Collection method: clinical testing. Allele origin: germline. Observed: 1 heterozygote. Study: CSER-NYCKidSeq.

OMIM
Classification: Pathogenic for PEHO SYNDROME. Last evaluated: 2017-06-01. Review status: no assertion criteria provided. Collection method: literature only. Allele origin: germline. Not counted in ClinVar's aggregate classification.

Literature cited by the submitters: PubMed 28335020 (cited by 4 submitters); PubMed 31048081 (cited by Variantyx, Inc. and Broad Center for Mendelian Genomics, Broad Institute of MIT and Harvard).